The following is an entry in ClinVar:

NM_001048174.2(MUTYH):c.1239+6T>C

Gene: MUTYH (mutY DNA glycosylase; minus strand). Cytogenetic location: 1p34.1.
Variant type: single nucleotide variant.
Coding change: c.1239+6T>C on transcript NM_001048174.2 (MANE Select); 6 bases into the intron after coding-DNA position 1239, T replaced by C.
Molecular consequence: intron variant.
Genome position (GRCh38, 1-based): chr1:45,331,414, A>G on the plus strand (T>C on the coding strand, the complement: MUTYH is on the minus strand). VCF-style: chr1-45331414-A-G. GRCh37 (hg19) VCF-style: chr1-45797086-A-G.
Other names: c.894+6T>C (NM_001350651.2, NM_001350650.2); c.963+6T>C (NM_001293192.2, NM_001293196.2); c.1239+6T>C (NM_001048171.2, NM_001048173.2, NM_001293195.2); c.1284+6T>C (NM_001293190.2); c.1314+6T>C (NM_012222.3); c.1323+6T>C (NM_001128425.2); c.1242+6T>C (NM_001048172.2); c.1272+6T>C (NM_001293191.2).
Identifiers: ClinVar variation 406856 (VCV000406856.12), dbSNP rs1060501341, ClinGen allele CA16610108.

ClinVar aggregate classification (germline): Uncertain significance. Review status: criteria provided, multiple submitters, no conflicts (2 of 4 stars). 2 submissions from 2 submitters: Uncertain significance (2). Last evaluated 2025-05-18.

Conditions:
Hereditary cancer-predisposing syndrome. Also called: Tumor predisposition; Hereditary Cancer Syndrome; Hereditary neoplastic syndrome; Neoplastic Syndromes, Hereditary. Identifiers: Orphanet 140162, MedGen C0027672, MeSH D009386, MONDO:0015356.
Familial adenomatous polyposis 2. Also called: COLORECTAL ADENOMATOUS POLYPOSIS, AUTOSOMAL RECESSIVE; MUTYH Polyposis; MUTYH-associated polyposis; MUTYH-related attenuated familial adenomatous polyposis; Adenomas, multiple colorectal; ADENOMAS, MULTIPLE COLORECTAL, AUTOSOMAL RECESSIVE. Identifiers: Orphanet 220460, Orphanet 247798, MedGen C3272841, MONDO:0012041, OMIM 608456.

Allele frequency attached by ClinVar (database versions not stated): gnomAD exomes below 0.00001.
gnomAD v4.1: 2 of 1,614,236 alleles (0.00012%); highest among the groups gnomAD compares: Non-Finnish European, 0.000085%; no homozygotes.

Submissions (2):

Labcorp Genetics (formerly Invitae), Labcorp
Classification: Uncertain significance for Familial adenomatous polyposis 2. Last evaluated: 2025-05-18. Review status: criteria provided, single submitter. Criteria: Invitae Variant Classification Sherloc (09022015). Collection method: clinical testing. Allele origin: germline.
Comment: This sequence change falls in intron 13 of the MUTYH gene. It does not directly change the encoded amino acid sequence of the MUTYH protein. It affects a nucleotide within the consensus splice site. This variant is not present in population databases (gnomAD no frequency). This variant has not been reported in the literature in individuals affected with MUTYH-related conditions. ClinVar contains an entry for this variant (Variation ID: 406856). Variants that disrupt the consensus splice site are a relatively common cause of aberrant splicing (PMID: 17576681, 9536098). Algorithms developed to predict the effect of sequence changes on RNA splicing suggest that this variant is not likely to affect RNA splicing. In summary, the available evidence is currently insufficient to determine the role of this variant in disease. Therefore, it has been classified as a Variant of Uncertain Significance.

Color Diagnostics, LLC DBA Color Health
Classification: Uncertain significance for Hereditary cancer-predisposing syndrome. Last evaluated: 2020-01-23. Review status: criteria provided, single submitter. Criteria: ACMG Guidelines, 2015. Collection method: clinical testing. Allele origin: germline.
Comment: This variant causes a T>C nucleotide substitution at the +6 position of intron 13 of the MUTYH gene. To our knowledge, functional studies have not been performed for this variant. This variant has not been reported in individuals affected with hereditary cancer in the literature. This variant has not been identified in the general population by the Genome Aggregation Database (gnomAD). The available evidence is insufficient to determine the role of this variant in disease conclusively. Therefore, this variant is classified as a Variant of Uncertain Significance.

Literature cited by the submitters: PubMed 17576681 (cited by Labcorp Genetics (formerly Invitae), Labcorp); PubMed 9536098 (cited by Labcorp Genetics (formerly Invitae), Labcorp).